The following is an entry in ClinVar:

ClinVar aggregate classification (germline): Uncertain significance. Review status: criteria provided, multiple submitters, no conflicts (2 of 4 stars). 2 submissions from 2 submitters: Uncertain significance (2). Last evaluated 2021-09-01.

Allele frequency attached by ClinVar (database versions not stated): gnomAD 0.00001; gnomAD exomes 0.00002; 1000 Genomes Project 0.00020; TOPMed 0.00001; ExAC 0.00001; 1000 Genomes Project 30x 0.00031.
gnomAD v4.1: 36 of 1,612,400 alleles (0.0022%); highest among the groups gnomAD compares: Admixed American, 0.0033%; no homozygotes.

Submissions (2):

Labcorp Genetics (formerly Invitae), Labcorp
Classification: Uncertain significance. Last evaluated: 2021-09-01. Review status: criteria provided, single submitter. Criteria: Invitae Variant Classification Sherloc (09022015). Collection method: clinical testing. Allele origin: germline.
Comment: This sequence change replaces asparagine with aspartic acid at codon 563 of the GNPAT protein (p.Asn563Asp). The asparagine residue is moderately conserved and there is a small physicochemical difference between asparagine and aspartic acid. This variant is present in population databases (rs200007027, ExAC 0.009%). This variant has not been reported in the literature in individuals affected with GNPAT-related conditions. ClinVar contains an entry for this variant (Variation ID: 618668). Algorithms developed to predict the effect of missense changes on protein structure and function output the following: SIFT: "Tolerated"; PolyPhen-2: "Benign"; Align-GVGD: "Class C0". The aspartic acid amino acid residue is found in multiple mammalian species, which suggests that this missense change does not adversely affect protein function. In summary, the available evidence is currently insufficient to determine the role of this variant in disease. Therefore, it has been classified as a Variant of Uncertain Significance.

ARUP Laboratories, Molecular Genetics and Genomics, ARUP Laboratories
Classification: Uncertain significance. Last evaluated: 2018-05-14. Review status: criteria provided, single submitter. Criteria: ARUP Molecular Germline Variant Investigation Process. Collection method: clinical testing. Allele origin: germline.
Comment: The GNPAT c.1687A>G; p.Asn563Asp variant (rs200007027), to our knowledge, is not reported in the medical literature or gene-specific databases, but is observed in the general population at a low overall frequency of 0.002% (5/246192 alleles) in the Genome Aggregation Database. The asparagine at codon 563 is moderately conserved but computational algorithms (PolyPhen-2, SIFT) predict that this variant is tolerated. Due to limited information regarding this variant, its clinical significance cannot be determined with certainty. Pathogenic variants in the GNPAT gene are inherited in an autosomal recessive manner, and are associated with rhizomelic chondrodysplasia punctata, type 2 (MIM: 222765).

NM_014236.4(GNPAT):c.1687A>G (p.Asn563Asp)

Gene: GNPAT (glyceronephosphate O-acyltransferase; plus strand). Cytogenetic location: 1q42.2.
Variant type: single nucleotide variant.
Coding change: c.1687A>G on transcript NM_014236.4 (MANE Select); coding-DNA position 1687, A replaced by G.
Protein change: p.Asn563Asp; replaces asparagine 563 with aspartic acid.
Molecular consequence: missense variant.
Genome position (GRCh38, 1-based): chr1:231,274,006, A>G. VCF-style: chr1-231274006-A-G. GRCh37 (hg19) VCF-style: chr1-231409752-A-G.
Other names: c.1504A>G, p.Asn502Asp (NM_001316350.2); short protein forms N563D, N502D.
Identifiers: ClinVar variation 618668 (VCV000618668.13), dbSNP rs200007027, ClinGen allele CA1452090.